The following is an entry in ClinVar:

NM_006218.4(PIK3CA):c.312_317del (p.Val105_Gly106del)

Gene: PIK3CA (phosphatidylinositol-4,5-bisphosphate 3-kinase catalytic subunit alpha; plus strand). Cytogenetic location: 3q26.32.
Variant type: Deletion.
Coding change: c.312_317del on transcript NM_006218.4 (MANE Select); coding-DNA positions 312 to 317, 6 bases deleted (AGTAGG; older notation c.312_317delAGTAGG).
Protein change: p.Val105_Gly106del.
Genome position (GRCh38, 1-based): chr3:179,199,137-179,199,142, AGTAGG deleted. VCF-style (leftmost placement, unchanged base first): chr3-179199136-CAGTAGG-C. GRCh37 (hg19) VCF-style: chr3-178916924-CAGTAGG-C.
Identifiers: ClinVar variation 4974584 (VCV004974584.1).
Genomic context (GRCh38, chr3:179,199,136, plus strand): 5'-ATGAAACAAGACGACTTTGTGACCTTCGGCTTTTTCAACCCTTTTTAAAAGTAATTGAAC[CAGTAGG>C]CAACCGTGAAGAAAAGATCCTCAATCGAGAAATTGGTATGATACAATATCCTATTCTAAA-3'

ClinVar aggregate classification (germline): Likely pathogenic (1 of 4 stars; one submission).

Conditions:
PIK3CA related overgrowth syndrome. Also called: PIK3CA related overgrowth spectrum; PIK3CA-Related Segmental Overgrowth. Identifiers: Orphanet 530313, MedGen C4728213, MONDO:1040002.

Submission:

Clinical Genomics Laboratory, Washington University in St. Louis
Classification: Likely pathogenic for PIK3CA related overgrowth syndrome. Last evaluated: 2026-04-28. Review status: criteria provided, single submitter. Criteria: Leon-Quintero et al. (Clin Genet. 2025). Collection method: clinical testing. Allele origin: somatic. Affected: yes.
Comment: A PIK3CA c.312_317del (p.Val105_Gly106del) variant was identified at an allelic fraction consistent with somatic origin. This variant, to our knowledge, has not been reported in the medical literature or the ClinVar database. It is predicted to cause a change in the length of the protein due to an in-frame deletion of two amino acids in a non-repeat region. The PIK3CA c.312_317del (p.Val105_Gly106del) variant is absent from the general population (gnomAD v4.1.1), indicating it is not a common variant. This variant resides within a region, the adaptor binding domain, of PIK3CA that is defined as a critical functional domain (Lai A et al.,PMID: 35997716). Based on available information and an internally developed protocol informed by the ACMG/AMP guidelines for variant interpretation and gene-specific practices from the ClinGen Criteria Specification Registry (Leon-Quintero FZ et al., PMID: 39434542), the PIK3CA c.312_317del (p.Val105_Gly106del) variant is classified as likely pathogenic.